The following is an entry in ClinVar:

ClinVar aggregate classification (germline): Uncertain significance (1 of 4 stars; one submission).

Conditions:
Chromosome 2q32-q33 deletion syndrome (GLASS). Also called: Glass syndrome; 2q33.1 deletion syndrome. Identifiers: Orphanet 251019, MedGen C2676739, MONDO:0012864, OMIM 612313.

Allele frequency attached by ClinVar (database versions not stated): gnomAD 0.00001; TOPMed 0.00001; 1000 Genomes Project 30x 0.00016; 1000 Genomes Project 0.00020.
gnomAD v4.1: 1 of 1,614,072 alleles (0.000062%); highest among the groups gnomAD compares: East Asian, 0.0022%; no homozygotes.

Submission:

Labcorp Genetics (formerly Invitae), Labcorp
Classification: Uncertain significance for Chromosome 2q32-q33 deletion syndrome. Last evaluated: 2023-11-06. Review status: criteria provided, single submitter. Criteria: Invitae Variant Classification Sherloc (09022015). Collection method: clinical testing. Allele origin: germline.
Comment: This sequence change replaces methionine, which is neutral and non-polar, with isoleucine, which is neutral and non-polar, at codon 293 of the SATB2 protein (p.Met293Ile). This variant is not present in population databases (gnomAD no frequency). This missense change has been observed in individual(s) with clinical features of SATB2-related conditions (PMID: 31279624). Advanced modeling of protein sequence and biophysical properties (such as structural, functional, and spatial information, amino acid conservation, physicochemical variation, residue mobility, and thermodynamic stability) performed at Invitae indicates that this missense variant is not expected to disrupt SATB2 protein function with a negative predictive value of 80%. In summary, the available evidence is currently insufficient to determine the role of this variant in disease. Therefore, it has been classified as a Variant of Uncertain Significance.

Literature cited by the submitters: PubMed 31279624.

NM_001172509.2(SATB2):c.879G>A (p.Met293Ile)

Gene: SATB2 (SATB homeobox 2; minus strand). Cytogenetic location: 2q33.1.
Variant type: single nucleotide variant.
Coding change: c.879G>A on transcript NM_001172509.2 (MANE Select); coding-DNA position 879, G replaced by A.
Protein change: p.Met293Ile; replaces methionine 293 with isoleucine.
Molecular consequence: missense variant.
Genome position (GRCh38, 1-based): chr2:199,348,995, C>T on the plus strand (G>A on the coding strand, the complement: SATB2 is on the minus strand). VCF-style: chr2-199348995-C-T. GRCh37 (hg19) VCF-style: chr2-200213718-C-T.
Other names: c.879G>A, p.Met293Ile (NM_001172517.1, NM_015265.4); short protein forms M293I.
Identifiers: ClinVar variation 2907330 (VCV002907330.3), dbSNP rs79794576, ClinGen allele CA64251729.